The following is an entry in ClinVar:

ClinVar aggregate classification (germline): Likely benign (1 of 4 stars; one submission).

gnomAD v4.1: 760 of 1,613,774 alleles (0.047%); highest among the groups gnomAD compares: Non-Finnish European, 0.061%; no homozygotes.

Submission:

CeGaT Center for Human Genetics Tuebingen
Classification: Likely benign. Last evaluated: 2026-06-01. Review status: criteria provided, single submitter. Criteria: CeGaT Center For Human Genetics Tuebingen Variant Classification Criteria Version 2. Collection method: clinical testing. Allele origin: germline. Affected: yes. Observed: 1 variant allele.
Comment: ASCC3: BP4, BP7

NM_006828.4(ASCC3):c.4500T>C (p.Ala1500=)

Gene: ASCC3 (activating signal cointegrator 1 complex subunit 3; minus strand). Cytogenetic location: 6q16.3.
Variant type: single nucleotide variant.
Coding change: c.4500T>C on transcript NM_006828.4 (MANE Select); coding-DNA position 4500, T replaced by C.
Protein change: p.Ala1500=; no amino-acid change (alanine 1500 retained).
Molecular consequence: synonymous variant.
Genome position (GRCh38, 1-based): chr6:100,627,863, A>G on the plus strand (T>C on the coding strand, the complement: ASCC3 is on the minus strand). VCF-style: chr6-100627863-A-G. GRCh37 (hg19) VCF-style: chr6-101075739-A-G.
Identifiers: ClinVar variation 4872894 (VCV004872894.2).
Genomic context (GRCh38, chr6:100,627,863, plus strand): 5'-CTACTAAATAAATGCATAATTTATCAATCTTCTACATACCTGCTTAATATTGAGCCAATC[A>G]GCAAGGTCTCTGGCATTAGCTAATGCAGTAGATAGTCCAACTATTCTAACAGGCTTTTCT-3'
Protein context (NP_006819.2, residues 1490-1510): STALANARDL[Ala1500=]DWLNIKQMGL